The following is an entry in ClinVar:

ClinVar aggregate classification (germline): Uncertain significance. Review status: criteria provided, multiple submitters, no conflicts (2 of 4 stars). 2 submissions from 2 submitters: Uncertain significance (2). Last evaluated 2025-04-20.

Allele frequency attached by ClinVar (database versions not stated): ESP Exome Variant Server 0.00008.

Submissions (2):

Ambry Genetics
Classification: Uncertain significance. Last evaluated: 2025-04-20. Review status: criteria provided, single submitter. Criteria: Ambry Variant Classification Scheme 2023. Collection method: clinical testing. Allele origin: germline.

GeneDx
Classification: Uncertain significance. Last evaluated: 2024-08-19. Review status: criteria provided, single submitter. Criteria: GeneDx Variant Classification Process June 2021. Collection method: clinical testing. Allele origin: germline. Affected: yes.
Comment: In silico analysis supports that this missense variant has a deleterious effect on protein structure/function; Has not been previously published as pathogenic or benign to our knowledge

NM_001064.4(TKT):c.316G>T (p.Asp106Tyr)

Gene: TKT (transketolase; minus strand). Cytogenetic location: 3p21.1.
Variant type: single nucleotide variant.
Coding change: c.316G>T on transcript NM_001064.4 (MANE Select); coding-DNA position 316, G replaced by T.
Protein change: p.Asp106Tyr; replaces aspartic acid 106 with tyrosine.
Molecular consequence: missense variant. On other transcripts: non-coding transcript variant (1).
Genome position (GRCh38, 1-based): chr3:53,241,155, C>A on the plus strand (G>T on the coding strand, the complement: TKT is on the minus strand). VCF-style: chr3-53241155-C-A. GRCh37 (hg19) VCF-style: chr3-53275171-C-A.
Other names: c.316G>T, p.Asp106Tyr (NM_001135055.3, NM_001258028.2); short protein forms D106Y.
Identifiers: ClinVar variation 2354557 (VCV002354557.4), dbSNP rs371557559, ClinGen allele CA2452935.
Genomic context (GRCh38, chr3:53,241,155, plus strand): 5'-AGGCAGAGGCATGGGAGGCTCTGGCAGGAGCACTTACCGGGACCGGGTGCCCGTCCAAGT[C>A]GGAGCTGATCTTCCTCAGGTTCAGCAGCTCCGCCTCGGCCAGGAAACCAGCTTCAGCCCA-3'
Protein context (NP_001055.1, residues 96-116): ELLNLRKISS[Asp106Tyr]LDGHPVPKQA